The following is an entry in ClinVar:

NM_001267550.2(TTN):c.58636G>C (p.Glu19546Gln)

Genes: TTN (titin; minus strand), TTN-AS1 (TTN antisense RNA 1; plus strand). Cytogenetic location: 2q31.2.
Variant type: single nucleotide variant.
Coding change: c.58636G>C on transcript NM_001267550.2 (MANE Select); coding-DNA position 58636, G replaced by C.
Protein change: p.Glu19546Gln; replaces glutamic acid 19546 with glutamine.
Molecular consequence: missense variant.
Genome position (GRCh38, 1-based): chr2:178,593,664, C>G on the plus strand (G>C on the coding strand, the complement: TTN is on the minus strand). VCF-style: chr2-178593664-C-G. GRCh37 (hg19) VCF-style: chr2-179458391-C-G.
Other names: p.E17905Q:GAA>CAA; c.53713G>C, p.Glu17905Gln (NM_001256850.1); c.31441G>C, p.Glu10481Gln (NM_003319.4); c.50932G>C, p.Glu16978Gln (NM_133378.4); c.31816G>C, p.Glu10606Gln (NM_133432.3); c.32017G>C, p.Glu10673Gln (NM_133437.4); short protein forms E19546Q, E16978Q, E17905Q, E10481Q, E10673Q, E10606Q.
Identifiers: ClinVar variation 47137 (VCV000047137.36), dbSNP rs201840554, ClinGen allele CA283500.

ClinVar aggregate classification (germline): Conflicting classifications of pathogenicity. Review status: criteria provided, conflicting classifications (1 of 4 stars). 19 submissions from 15 submitters: Uncertain significance (1); Benign (11); Likely benign (4). 3 of the submissions do not count toward it. Last evaluated 2026-01-28.

Conditions:
Ventricular fibrillation. Identifiers: MedGen C0042510, MONDO:0000190, HP:0001663.
Cardiomyopathy (CMYO). Also called: Cardiomyopathies. Identifiers: Orphanet 167848, MedGen C0878544, MONDO:0004994, HP:0001638. Inheritance: Various modes of inheritance.
Cardiovascular phenotype. Identifiers: MedGen CN230736.
Dilated cardiomyopathy 1G (CMD1G). Identifiers: Orphanet 154, MedGen C1858763, MONDO:0011400, OMIM 604145.
Autosomal recessive limb-girdle muscular dystrophy type 2J (LGMDR10). Also called: MUSCULAR DYSTROPHY, LIMB-GIRDLE, AUTOSOMAL RECESSIVE 10; Limb-girdle muscular dystrophy, type 2J. Identifiers: Orphanet 140922, MedGen C1837342, MONDO:0012127, OMIM 608807.
Early-onset myopathy with fatal cardiomyopathy (CMYO5). Also called: CONGENITAL MYOPATHY 5 WITH CARDIOMYOPATHY; Salih Myopathy. Identifiers: Orphanet 289377, MedGen C2673677, MONDO:0012714, OMIM 611705. Disease mechanism: loss of function.
Myopathy, myofibrillar, 9, with early respiratory failure (MFM9). Also called: Myopathy, distal, with early respiratory failure, autosomal dominant; Hereditary myopathy with early respiratory failure; MYOPATHY, PROXIMAL, WITH EARLY RESPIRATORY MUSCLE INVOLVEMENT; EDSTROM MYOPATHY. Identifiers: Orphanet 178464, Orphanet 34521, MedGen C1863599, MONDO:0011362, OMIM 603689.
Tibial muscular dystrophy (TMD). Also called: Udd Distal Myopathy – Tibial Muscular Dystrophy; Tibial muscular dystrophy, tardive; UDD MYOPATHY. Identifiers: Orphanet 609, MedGen C1838244, MONDO:0010870, OMIM 600334.

Allele frequency attached by ClinVar (database versions not stated): ExAC 0.00089; gnomAD 0.00323 and 0.00298; ESP Exome Variant Server 0.00388; 1000 Genomes Project 30x 0.00250; gnomAD exomes 0.00029 and 0.00073; 1000 Genomes Project 0.00220; TOPMed 0.00354.
gnomAD v4.1: 884 of 1,613,200 alleles (0.055%); highest among the groups gnomAD compares: African/African-American, 1.1%; 8 homozygotes.

Submissions (19):

Labcorp Genetics (formerly Invitae), Labcorp
Classification: Benign for Dilated cardiomyopathy 1G; Autosomal recessive limb-girdle muscular dystrophy type 2J. Last evaluated: 2026-01-28. Review status: criteria provided, single submitter. Criteria: Invitae Variant Classification Sherloc (09022015). Collection method: clinical testing. Allele origin: germline.

ARUP Laboratories, Molecular Genetics and Genomics, ARUP Laboratories
Classification: Likely benign. Last evaluated: 2025-05-14. Review status: criteria provided, single submitter. Criteria: ARUP Molecular Germline Variant Investigation Process 2024. Collection method: clinical testing. Allele origin: germline.

Molecular Diagnostic Laboratory for Inherited Cardiovascular Disease, Montreal Heart Institute
Classification: Benign. Last evaluated: 2025-04-09. Review status: criteria provided, single submitter. Criteria: ACMG Guidelines, 2015. Collection method: clinical testing. Allele origin: germline. Affected: no.

Mayo Clinic Laboratories, Mayo Clinic
Classification: Benign. Last evaluated: 2025-03-26. Review status: criteria provided, single submitter. Criteria: ACMG Guidelines, 2015. Collection method: clinical testing. Allele origin: germline. Observed: 4 variant alleles.
Comment: BS1, BS2

Blueprint Genetics
Classification: Likely benign. Last evaluated: 2024-10-17. Review status: criteria provided, single submitter. Criteria: ACMG Guidelines, 2015. Collection method: clinical testing. Allele origin: germline.

Women's Health and Genetics/Laboratory Corporation of America, LabCorp
Classification: Benign. Last evaluated: 2021-01-28. Review status: criteria provided, single submitter. Criteria: LabCorp Variant Classification Summary - May 2015. Collection method: clinical testing. Allele origin: germline.
Comment: Variant summary: TTN c.50932G>C (p.Glu16978Gln) results in a conservative amino acid change located in the A-band domain of the encoded protein sequence. Three of five in-silico tools predict a benign effect of the variant on protein function. The variant allele was found at a frequency of 0.00073 in 247926 control chromosomes, predominantly at a frequency of 0.01 within the African or African-American subpopulation in the gnomAD database, including 2 homozygotes. The observed variant frequency within African or African-American control individuals in the gnomAD database is approximately 26 fold of the estimated maximal expected allele frequency for a pathogenic variant in TTN causing Dilated Cardiomyopathy phenotype (0.00039), strongly suggesting that the variant is a benign polymorphism found primarily in populations of African or African-American origin. To our knowledge, no experimental evidence demonstrating its impact on protein function have been reported. Seven ClinVar submitters (evaluation after 2014) cite the variant as uncertain significance (n=1), likely benign (n=1) and benign (n=5). Based on the evidence outlined above, the variant was classified as benign.

Center for Advanced Laboratory Medicine, UC San Diego Health, University of California San Diego
Classification: Benign for Ventricular fibrillation; Cardiomyopathy. Last evaluated: 2019-05-20. Review status: criteria provided, single submitter. Criteria: ACMG Guidelines, 2015. Collection method: clinical testing. Allele origin: germline. Affected: yes. Observed: 4 variant alleles.

Illumina Laboratory Services, Illumina
Classification: Likely benign for Early-onset myopathy with fatal cardiomyopathy. Last evaluated: 2018-01-13. Review status: criteria provided, single submitter. Criteria: ICSL Variant Classification Criteria 13 December 2019. Collection method: clinical testing. Allele origin: germline.
Comment: This variant was observed in the ICSL laboratory as part of a predisposition screen in an ostensibly healthy population. It had not been previously curated by ICSL or reported in the Human Gene Mutation Database (HGMD: prior to June 1st, 2018), and was therefore a candidate for classification through an automated scoring system. Utilizing variant allele frequency, disease prevalence and penetrance estimates, and inheritance mode, an automated score was calculated to assess if this variant is too frequent to cause the disease. Based on the score and internal cut-off values, a variant classified as likely benign is not then subjected to further curation. The score for this variant resulted in a classification of likely benign for this disease.

Illumina Laboratory Services, Illumina
Classification: Likely benign for Dilated cardiomyopathy 1G. Last evaluated: 2018-01-13. Review status: criteria provided, single submitter. Criteria: ICSL Variant Classification Criteria 13 December 2019. Collection method: clinical testing. Allele origin: germline.
Comment: the same text as in the submission from Illumina Laboratory Services, Illumina above.

Illumina Laboratory Services, Illumina
Classification: Uncertain significance for Autosomal recessive limb-girdle muscular dystrophy type 2J. Last evaluated: 2018-01-13. Review status: criteria provided, single submitter. Criteria: ICSL Variant Classification Criteria 13 December 2019. Collection method: clinical testing. Allele origin: germline.

Illumina Laboratory Services, Illumina
Classification: Benign for Myopathy, myofibrillar, 9, with early respiratory failure. Last evaluated: 2018-01-13. Review status: criteria provided, single submitter. Criteria: ICSL Variant Classification Criteria 13 December 2019. Collection method: clinical testing. Allele origin: germline.
Comment: This variant was observed in the ICSL laboratory as part of a predisposition screen in an ostensibly healthy population. It had not been previously curated by ICSL or reported in the Human Gene Mutation Database (HGMD: prior to June 1st, 2018), and was therefore a candidate for classification through an automated scoring system. Utilizing variant allele frequency, disease prevalence and penetrance estimates, and inheritance mode, an automated score was calculated to assess if this variant is too frequent to cause the disease. Based on the score and internal cut-off values, a variant classified as benign is not then subjected to further curation. The score for this variant resulted in a classification of benign for this disease.

Illumina Laboratory Services, Illumina
Classification: Benign for Tibial muscular dystrophy. Last evaluated: 2018-01-13. Review status: criteria provided, single submitter. Criteria: ICSL Variant Classification Criteria 13 December 2019. Collection method: clinical testing. Allele origin: germline.
Comment: the same text as in the submission from Illumina Laboratory Services, Illumina above.

CHEO Genetics Diagnostic Laboratory, Children's Hospital of Eastern Ontario
Classification: Benign for Cardiomyopathy. Last evaluated: 2017-08-04. Review status: criteria provided, single submitter. Criteria: ACMG Guidelines, 2015. Collection method: clinical testing. Allele origin: germline. Study: Canadian Open Genetics Repository.

Ambry Genetics
Classification: Benign for Cardiovascular phenotype. Last evaluated: 2017-05-31. Review status: criteria provided, single submitter. Criteria: Ambry Variant Classification Scheme 2023. Collection method: clinical testing. Allele origin: germline.

GeneDx
Classification: Benign. Last evaluated: 2014-04-20. Review status: criteria provided, single submitter. Criteria: GeneDx Variant Classification (06012015). Collection method: clinical testing. Allele origin: germline. Affected: yes.
Comment: This variant is considered likely benign or benign based on one or more of the following criteria: it is a conservative change, it occurs at a poorly conserved position in the protein, it is predicted to be benign by multiple in silico algorithms, and/or has population frequency not consistent with disease.

Laboratory for Molecular Medicine, Mass General Brigham Personalized Medicine
Classification: Benign. Last evaluated: 2012-03-19. Review status: criteria provided, single submitter. Criteria: LMM Criteria. Collection method: clinical testing. Allele origin: germline. Observed: 7 variant alleles.
Comment: p.Glu16978Gln in Exon 247 of TTN: This variant is not expected to have clinical significance because it has been identified in 1.2% (36/2994) of African America n chromosomes from a broad population by the NHLBI Exome Sequencing Project.

Clinical Genetics, Academic Medical Center
Classification: Benign. Review status: no assertion criteria provided. Collection method: clinical testing. Allele origin: germline. Affected: yes. Study: VKGL Data-share Consensus. Not counted in ClinVar's aggregate classification.

Diagnostic Laboratory, Department of Genetics, University Medical Center Groningen
Classification: Benign. Review status: no assertion criteria provided. Collection method: clinical testing. Allele origin: germline. Affected: yes. Study: VKGL Data-share Consensus. Not counted in ClinVar's aggregate classification.

Genome Diagnostics Laboratory, University Medical Center Utrecht
Classification: Benign. Review status: no assertion criteria provided. Collection method: clinical testing. Allele origin: germline. Affected: yes. Study: VKGL Data-share Consensus. Not counted in ClinVar's aggregate classification.

Literature cited by the submitters: PubMed 23396983 (cited by Ambry Genetics).